The following is an entry in ClinVar:

NM_019066.5(MAGEL2):c.2456A>G (p.Tyr819Cys)

Gene: MAGEL2 (MAGE family member L2; minus strand). Cytogenetic location: 15q11.2.
Variant type: single nucleotide variant.
Coding change: c.2456A>G on transcript NM_019066.5 (MANE Select); coding-DNA position 2456, A replaced by G.
Protein change: p.Tyr819Cys; replaces tyrosine 819 with cysteine.
Molecular consequence: missense variant.
Genome position (GRCh38, 1-based): chr15:23,645,287, T>C on the plus strand (A>G on the coding strand, the complement: MAGEL2 is on the minus strand). VCF-style: chr15-23645287-T-C. GRCh37 (hg19) VCF-style: chr15-23890434-T-C.
Other names: c.2456A>G (NM_019066.4); short protein forms Y819C.
Identifiers: ClinVar variation 3009376 (VCV003009376.4), dbSNP rs369197909, ClinGen allele CA7429893.
Genomic context (GRCh38, chr15:23,645,287, plus strand): 5'-TGTGGGACCCATGGAACTGCAGGCAGGGCCTCTACACAGGCAAAGGGATCCTGCAGAGCA[T>C]ATGGCAGTGACTTTGGGGTCTCTGAGGCAGCAGAGGGGCCTTTAAAGGCATTCAGAGAGG-3'
Protein context (NP_061939.3, residues 809-829): AASETPKSLP[Tyr819Cys]ALQDPFACVE

ClinVar aggregate classification (germline): Uncertain significance. Review status: criteria provided, multiple submitters, no conflicts (2 of 4 stars). 2 submissions from 2 submitters: Uncertain significance (2). Last evaluated 2024-07-02.

Conditions:
Inborn genetic diseases. Identifiers: MedGen C0950123, MeSH D030342.

Allele frequency attached by ClinVar (database versions not stated): TOPMed below 0.00001; ExAC 0.00002; gnomAD exomes 0.00002; gnomAD 0.00003; ESP Exome Variant Server 0.00008.
gnomAD v4.1: 29 of 1,613,852 alleles (0.0018%); highest among the groups gnomAD compares: Non-Finnish European, 0.0024%; no homozygotes.

Submissions (2):

Ambry Genetics
Classification: Uncertain significance for Inborn genetic diseases. Last evaluated: 2024-07-02. Review status: criteria provided, single submitter. Criteria: Ambry Variant Classification Scheme 2023. Collection method: clinical testing. Allele origin: germline.

Labcorp Genetics (formerly Invitae), Labcorp
Classification: Uncertain significance. Last evaluated: 2023-05-22. Review status: criteria provided, single submitter. Criteria: Invitae Variant Classification Sherloc (09022015). Collection method: clinical testing. Allele origin: germline.
Comment: In summary, the available evidence is currently insufficient to determine the role of this variant in disease. Therefore, it has been classified as a Variant of Uncertain Significance. Advanced modeling of protein sequence and biophysical properties (such as structural, functional, and spatial information, amino acid conservation, physicochemical variation, residue mobility, and thermodynamic stability) performed at Invitae indicates that this missense variant is not expected to disrupt MAGEL2 protein function. This variant has not been reported in the literature in individuals affected with MAGEL2-related conditions. This variant is present in population databases (rs369197909, gnomAD 0.002%). This sequence change replaces tyrosine, which is neutral and polar, with cysteine, which is neutral and slightly polar, at codon 819 of the MAGEL2 protein (p.Tyr819Cys).